The following is an entry in ClinVar:

ClinVar aggregate classification (germline): Likely benign (1 of 4 stars; one submission).

gnomAD v4.1: 2 of 1,609,690 alleles (0.00012%); highest among the groups gnomAD compares: Admixed American, 0.0017%; no homozygotes.

Submission:

GeneDx
Classification: Likely benign. Last evaluated: 2017-08-07. Review status: criteria provided, single submitter. Criteria: GeneDx Variant Classification (06012015). Collection method: clinical testing. Allele origin: germline. Affected: yes.
Comment: This variant is considered likely benign or benign based on one or more of the following criteria: it is a conservative change, it occurs at a poorly conserved position in the protein, it is predicted to be benign by multiple in silico algorithms, and/or has population frequency not consistent with disease.

NM_130837.3(OPA1):c.679-7G>T

Genes: OPA1 (OPA1 mitochondrial dynamin like GTPase; plus strand), OPA1-AS1 (OPA1 antisense RNA 1; minus strand). Cytogenetic location: 3q29.
Variant type: single nucleotide variant.
Coding change: c.679-7G>T on transcript NM_130837.3 (MANE Select); 7 bases into the intron before coding-DNA position 679, G replaced by T.
Molecular consequence: intron variant.
Genome position (GRCh38, 1-based): chr3:193,626,085, G>T. VCF-style: chr3-193626085-G-T. GRCh37 (hg19) VCF-style: chr3-193343874-G-T.
Other names: c.253-5527G>T (NM_001354664.2); c.145-7G>T (NM_001354663.2); c.679-5527G>T (NM_130834.3); c.625-7G>T (NM_130836.3); c.625-5527G>T (NM_015560.3); c.571-7G>T (NM_130835.3); c.571-5527G>T (NM_130832.3); c.517-7G>T (NM_130833.3); and 1 more.
Identifiers: ClinVar variation 510980 (VCV000510980.1), dbSNP rs373326620, ClinGen allele CA548818590.